The following is an entry in ClinVar:

NM_138295.5(PKD1L1):c.6105A>G (p.Gly2035=)

Gene: PKD1L1 (polycystin 1 like 1, transient receptor potential channel interacting; minus strand). Cytogenetic location: 7p12.3.
Variant type: single nucleotide variant.
Coding change: c.6105A>G on transcript NM_138295.5 (MANE Select); coding-DNA position 6105, A replaced by G.
Protein change: p.Gly2035=; no amino-acid change (glycine 2035 retained).
Molecular consequence: synonymous variant.
Genome position (GRCh38, 1-based): chr7:47,834,989, T>C on the plus strand (A>G on the coding strand, the complement: PKD1L1 is on the minus strand). VCF-style: chr7-47834989-T-C. GRCh37 (hg19) VCF-style: chr7-47874587-T-C.
Identifiers: ClinVar variation 4982891 (VCV004982891.1).

ClinVar aggregate classification (germline): Uncertain significance (1 of 4 stars; one submission).

Conditions:
PKD1L1-related disorder. Also called: PKD1L1-related condition.

gnomAD v4.1: 5 of 1,613,908 alleles (0.00031%); highest among the groups gnomAD compares: South Asian, 0.0055%; no homozygotes.

Submission:

PreventionGenetics, part of Exact Sciences
Classification: Uncertain significance for PKD1L1-related condition. Last evaluated: 2025-11-04. Review status: criteria provided, single submitter. Criteria: ACMG Guidelines, 2015. Collection method: clinical testing. Allele origin: germline.
Comment: The PKD1L1 c.6105A>G variant is not predicted to result in an amino acid change (p.=). To our knowledge, this variant has not been reported in the literature. This variant is reported in 0.0065% of alleles in individuals of South Asian descent in gnomAD. At this time, the clinical significance of this variant is uncertain due to the absence of conclusive functional and genetic evidence.